The following is an entry in ClinVar:

NM_201384.3(PLEC):c.12597C>G (p.Ser4199=)

Gene: PLEC (plectin; minus strand). Cytogenetic location: 8q24.3.
Variant type: single nucleotide variant.
Coding change: c.12597C>G on transcript NM_201384.3 (MANE Select); coding-DNA position 12597, C replaced by G.
Protein change: p.Ser4199=; no amino-acid change (serine 4199 retained).
Molecular consequence: synonymous variant.
Genome position (GRCh38, 1-based): chr8:143,917,224, G>C on the plus strand (C>G on the coding strand, the complement: PLEC is on the minus strand). VCF-style: chr8-143917224-G-C. GRCh37 (hg19) VCF-style: chr8-144991392-G-C.
Other names: c.12678C>G, p.Ser4226= (NM_000445.5); c.9297C>G, p.Ser3099= (NM_001410941.1); c.12555C>G, p.Ser4185= (NM_201378.4); c.12531C>G, p.Ser4177= (NM_201379.3); c.13008C>G, p.Ser4336= (NM_201380.4); c.12501C>G, p.Ser4167= (NM_201381.3); c.12597C>G, p.Ser4199= (NM_201382.4); c.12609C>G, p.Ser4203= (NM_201383.3).
Identifiers: ClinVar variation 4986404 (VCV004986404.1).
Genomic context (GRCh38, chr8:143,917,224, plus strand): 5'-CAGTGCCGAGCGGTCGATGAGGTTCTTGGCGATGGCATCATCGATGTCGTACTGGCGCCC[G>C]GAGCGGCGGTCGATGATCATGGACTTGACCACGCCGTCCGAGGAGGAGATGGTGATCTCC-3'
Protein context (NP_958786.1, residues 4189-4209): VVKSMIIDRR[Ser4199=]GRQYDIDDAI

ClinVar aggregate classification (germline): Likely benign (1 of 4 stars; one submission).

Conditions:
PLEC-related disorder. Also called: PLEC-related condition; PLEC-related disorders.

Submission:

PreventionGenetics, part of Exact Sciences
Classification: Likely benign for PLEC-related condition. Last evaluated: 2026-05-13. Review status: criteria provided, single submitter. Criteria: ACMG Guidelines, 2015. Collection method: clinical testing. Allele origin: germline.
Comment: This variant is classified as likely benign based on ACMG/AMP sequence variant interpretation guidelines (Richards et al. 2015 PMID: 25741868, with internal and published modifications).